The following is an entry in ClinVar:

ClinVar aggregate classification (germline): Likely benign (1 of 4 stars; one submission).

Allele frequency attached by ClinVar (database versions not stated): 1000 Genomes Project 30x 0.00031; 1000 Genomes Project 0.00040; gnomAD 0.00042; TOPMed 0.00062.

Submission:

CeGaT Center for Human Genetics Tuebingen
Classification: Likely benign. Last evaluated: 2024-04-01. Review status: criteria provided, single submitter. Criteria: CeGaT Center For Human Genetics Tuebingen Variant Classification Criteria Version 2. Collection method: clinical testing. Allele origin: germline. Affected: yes. Observed: 2 variant alleles.
Comment: TRIO: BS1

NM_007118.4(TRIO):c.5204-19767C>T

Gene: TRIO (trio Rho guanine nucleotide exchange factor; plus strand). Cytogenetic location: 5p15.2.
Variant type: single nucleotide variant.
Coding change: c.5204-19767C>T on transcript NM_007118.4 (MANE Select); 19767 bases into the intron before coding-DNA position 5204, C replaced by T.
Molecular consequence: intron variant.
Genome position (GRCh38, 1-based): chr5:14,441,252, C>T. VCF-style: chr5-14441252-C-T. GRCh37 (hg19) VCF-style: chr5-14441361-C-T.
Identifiers: ClinVar variation 1879619 (VCV001879619.29), dbSNP rs139896712, ClinGen allele CA113997694.
Genomic context (GRCh38, chr5:14,441,252, plus strand): 5'-GAGGGAGAGGTAGGATAGGGGTTCTGCACCTTTAGCCTCCAGTCGGCTCCAGTCACCATG[C>T]CCAACGGATTGAAGCCAGTGGACACGCTGGACTCGCTGTCCTCTGTCAGTTCAGCCTACT-3'